The following is an entry in ClinVar:

ClinVar aggregate classification (germline): Uncertain significance. Review status: criteria provided, multiple submitters, no conflicts (2 of 4 stars). 2 submissions from 2 submitters: Uncertain significance (2). Last evaluated 2021-08-28.

Conditions:
Primary ciliary dyskinesia 3. Identifiers: Orphanet 244, MedGen C1837618, MONDO:0012085, OMIM 608644.
Primary ciliary dyskinesia. Also called: Ciliary dyskinesia. Identifiers: Orphanet 244, MedGen C0008780, MONDO:0016575, HP:0012265.

Allele frequency attached by ClinVar (database versions not stated): gnomAD 0.00001; TOPMed below 0.00001; ExAC 0.00001.
gnomAD v4.1: 11 of 1,613,784 alleles (0.00068%); highest among the groups gnomAD compares: Middle Eastern, 0.016%; no homozygotes.

Submissions (2):

Labcorp Genetics (formerly Invitae), Labcorp
Classification: Uncertain significance for Primary ciliary dyskinesia. Last evaluated: 2021-08-28. Review status: criteria provided, single submitter. Criteria: Invitae Variant Classification Sherloc (09022015). Collection method: clinical testing. Allele origin: germline.
Comment: This sequence change replaces aspartic acid with tyrosine at codon 2669 of the DNAH5 protein (p.Asp2669Tyr). The aspartic acid residue is highly conserved and there is a large physicochemical difference between aspartic acid and tyrosine. This variant is present in population databases (rs773280167, ExAC 0.002%). This variant has not been reported in the literature in individuals affected with DNAH5-related conditions. Algorithms developed to predict the effect of missense changes on protein structure and function (SIFT, PolyPhen-2, Align-GVGD) all suggest that this variant is likely to be disruptive. In summary, the available evidence is currently insufficient to determine the role of this variant in disease. Therefore, it has been classified as a Variant of Uncertain Significance.

Illumina Laboratory Services, Illumina
Classification: Uncertain significance for Primary ciliary dyskinesia 3. Last evaluated: 2018-01-13. Review status: criteria provided, single submitter. Criteria: ICSL Variant Classification Criteria 13 December 2019. Collection method: clinical testing. Allele origin: germline.

NM_001369.3(DNAH5):c.8005G>T (p.Asp2669Tyr)

Gene: DNAH5 (dynein axonemal heavy chain 5; minus strand). Cytogenetic location: 5p15.2.
Variant type: single nucleotide variant.
Coding change: c.8005G>T on transcript NM_001369.3 (MANE Select); coding-DNA position 8005, G replaced by T.
Protein change: p.Asp2669Tyr; replaces aspartic acid 2669 with tyrosine.
Molecular consequence: missense variant.
Genome position (GRCh38, 1-based): chr5:13,793,941, C>A on the plus strand (G>T on the coding strand, the complement: DNAH5 is on the minus strand). VCF-style: chr5-13793941-C-A. GRCh37 (hg19) VCF-style: chr5-13794050-C-A.
Other names: short protein forms D2669Y.
Identifiers: ClinVar variation 904219 (VCV000904219.6), dbSNP rs773280167, ClinGen allele CA3202938.
Genomic context (GRCh38, chr5:13,793,941, plus strand): 5'-AAGAATAAATCAATACCAAATTAAAGAAATAAAATGCACAATAGAATGATGATACCTGAT[C>A]TCCCCACTCATTGATTATTGGCATATTCACATCATCAATAAAAACAGTCATCTTCTTTCC-3'
Protein context (NP_001360.1, residues 2659-2679): VNMPIINEWG[Asp2669Tyr]QVTNEIVRQL